The following is an entry in ClinVar:

NM_020754.4(ARHGAP31):c.701A>G (p.Lys234Arg)

Gene: ARHGAP31 (Rho GTPase activating protein 31; plus strand). Cytogenetic location: 3q13.33.
Variant type: single nucleotide variant.
Coding change: c.701A>G on transcript NM_020754.4 (MANE Select); coding-DNA position 701, A replaced by G.
Protein change: p.Lys234Arg; replaces lysine 234 with arginine.
Molecular consequence: missense variant.
Genome position (GRCh38, 1-based): chr3:119,390,803, A>G. VCF-style: chr3-119390803-A-G. GRCh37 (hg19) VCF-style: chr3-119109650-A-G.
Other names: short protein forms K234R.
Identifiers: ClinVar variation 3046516 (VCV003046516.2), dbSNP rs1449466265, ClinGen allele CA354031296.
Genomic context (GRCh38, chr3:119,390,803, plus strand): 5'-GCAGGCCTCCTCCAACACTGAGCTCTTCCATTGCCTTTACAGAAAACCGGCCCATCATGA[A>G]GAGCCTGACCTTGCCAGCCCTCTCCCTGCCCATGAAGCTGGTGAGCCTTGAGGAAGCTCA-3'
Protein context (NP_065805.2, residues 224-244): LENDENRPIM[Lys234Arg]SLTLPALSLP

ClinVar aggregate classification (germline): Uncertain significance (0 of 4 stars; one submission).

Conditions:
ARHGAP31-related disorder. Also called: ARHGAP31-related condition.

Allele frequency attached by ClinVar (database versions not stated): gnomAD exomes 0.00001; TOPMed 0.00005; gnomAD 0.00006.
gnomAD v4.1: 19 of 1,612,666 alleles (0.0012%); highest among the groups gnomAD compares: African/African-American, 0.025%; no homozygotes.

Submission:

PreventionGenetics, part of Exact Sciences
Classification: Uncertain significance for ARHGAP31-related condition. Last evaluated: 2024-01-17. Review status: no assertion criteria provided. Collection method: clinical testing. Allele origin: germline.
Comment: The ARHGAP31 c.701A>G variant is predicted to result in the amino acid substitution p.Lys234Arg. To our knowledge, this variant has not been reported in the literature. This variant is reported in 0.0083% of alleles in individuals of African descent in gnomAD. At this time, the clinical significance of this variant is uncertain due to the absence of conclusive functional and genetic evidence.